The following is an entry in ClinVar:

ClinVar aggregate classification (germline): Likely pathogenic (1 of 4 stars; one submission).

Conditions:
FDXR-related disorder. Also called: FDXR-related condition; FDXR-related disorders.

Submission:

PreventionGenetics, part of Exact Sciences
Classification: Likely pathogenic for FDXR-related condition. Last evaluated: 2026-06-04. Review status: criteria provided, single submitter. Criteria: ACMG Guidelines, 2015. Collection method: clinical testing. Allele origin: germline.
Comment: The FDXR c.272_273dupTC variant is predicted to result in a frameshift and premature protein termination (p.Asp92Serfs*42). To our knowledge, this variant has not been reported in the literature. This variant is present in 0.0072% of alleles in individuals of European (Non-Finnish) descent in gnomAD. Frameshift variants in FDXR are an established mechanism of disease. This variant is interpreted as likely pathogenic.

NM_024417.5(FDXR):c.178-43TC[6]

Gene: FDXR (ferredoxin reductase; minus strand). Cytogenetic location: 17q25.1.
Variant type: Microsatellite.
Coding change: c.178-43TC[6] on transcript NM_024417.5 (MANE Select); six copies in a row of the 2-base unit TC starting at c.178-43; the reference has five copies in a row; one copy, 2 bases duplicated.
Molecular consequence: intron variant. On other transcripts: frameshift variant (1).
Genome position (GRCh38, 1-based): chr17:74,866,910-74,866,911, GA duplicated on the plus strand (TC on the coding strand, the reverse complement: FDXR is on the minus strand); duplicating any 2 consecutive bases within chr17:74,866,910-74,866,920 gives the same sequence; the position shown is the placement nearest the transcript's 3' end. VCF-style (leftmost placement, unchanged base first): chr17-74866909-C-CGA. GRCh37 (hg19) VCF-style: chr17-72863031-C-CGA.
Other names: c.272_273dup, p.Gly92fs (NM_001258012.4); c.178-43TC[6] (NM_001258014.4, NM_004110.6); c.178-40TC[6] (NM_001258015.3); c.271-43TC[6] (NM_001258013.4); c.22-43TC[6] (NM_001258016.3); short protein forms G92fs.
Identifiers: ClinVar variation 4983507 (VCV004983507.1).